The following is an entry in ClinVar:

ClinVar aggregate classification (germline): Uncertain significance (1 of 4 stars; one submission).

Conditions:
Autosomal recessive distal spinal muscular atrophy 2. Also called: NEURONOPATHY, DISTAL HEREDITARY MOTOR, JERASH TYPE; NEUROPATHY, DISTAL HEREDITARY MOTOR, JERASH TYPE; SPINAL MUSCULAR ATROPHY, JERASH TYPE; NEUROPATHY, DISTAL HEREDITARY MOTOR, AUTOSOMAL RECESSIVE 2; Hereditary motor neuropathy, Jerash type; Motor neuropathy, distal, Jerash type. Identifiers: Orphanet 139552, MedGen C1854023, MONDO:0011585, OMIM 605726.
Amyotrophic lateral sclerosis type 16. Also called: AMYOTROPHIC LATERAL SCLEROSIS 16, JUVENILE. Identifiers: Orphanet 300605, MedGen C3280587, MONDO:0013715, OMIM 614373.

Allele frequency attached by ClinVar (database versions not stated): TOPMed below 0.00001.
gnomAD v4.1: 1 of 1,614,206 alleles (0.000062%); highest among the groups gnomAD compares: Non-Finnish European, 0.000085%; no homozygotes.

Submission:

Labcorp Genetics (formerly Invitae), Labcorp
Classification: Uncertain significance for Autosomal recessive distal spinal muscular atrophy 2; Amyotrophic lateral sclerosis type 16. Last evaluated: 2022-08-19. Review status: criteria provided, single submitter. Criteria: Invitae Variant Classification Sherloc (09022015). Collection method: clinical testing. Allele origin: germline.
Comment: This sequence change replaces valine, which is neutral and non-polar, with leucine, which is neutral and non-polar, at codon 171 of the SIGMAR1 protein (p.Val171Leu). This variant is not present in population databases (gnomAD no frequency). This variant has not been reported in the literature in individuals affected with SIGMAR1-related conditions. ClinVar contains an entry for this variant (Variation ID: 1040142). Algorithms developed to predict the effect of missense changes on protein structure and function (SIFT, PolyPhen-2, Align-GVGD) all suggest that this variant is likely to be tolerated. In summary, the available evidence is currently insufficient to determine the role of this variant in disease. Therefore, it has been classified as a Variant of Uncertain Significance.

NM_005866.4(SIGMAR1):c.511G>T (p.Val171Leu)

Gene: SIGMAR1 (sigma receptor chaperone 1; minus strand). Cytogenetic location: 9p13.3.
Variant type: single nucleotide variant.
Coding change: c.511G>T on transcript NM_005866.4 (MANE Select); coding-DNA position 511, G replaced by T.
Protein change: p.Val171Leu; replaces valine 171 with leucine.
Molecular consequence: missense variant. On other transcripts: 3 prime UTR variant (2), non-coding transcript variant (1), intron variant (1).
Genome position (GRCh38, 1-based): chr9:34,635,793, C>A on the plus strand (G>T on the coding strand, the complement: SIGMAR1 is on the minus strand). VCF-style: chr9-34635793-C-A. GRCh37 (hg19) VCF-style: chr9-34635790-C-A.
Other names: c.211G>T, p.Val71Leu (NM_001282206.2); c.451G>T, p.Val151Leu (NM_001282207.2); c.*54G>T (NM_001282208.2); c.*38G>T (NM_001282209.2); c.418G>T, p.Val140Leu (NM_147157.3); c.446-153G>T (NM_001282205.2); short protein forms V140L, V171L, V71L, V151L.
Identifiers: ClinVar variation 1040142 (VCV001040142.9), dbSNP rs1820832825, ClinGen allele CA373272641.